The following is an entry in ClinVar:

ClinVar aggregate classification (germline): Uncertain significance (1 of 4 stars; one submission).

Conditions:
Duchenne muscular dystrophy (DMD). Also called: MUSCULAR DYSTROPHY, PSEUDOHYPERTROPHIC PROGRESSIVE, DUCHENNE TYPE; Duchenne Muscular Dystrophy (DMD). Identifiers: Orphanet 98896, MedGen C0013264, MONDO:0010679, OMIM 310200.

Submission:

Labcorp Genetics (formerly Invitae), Labcorp
Classification: Uncertain significance for Duchenne muscular dystrophy. Last evaluated: 2023-06-25. Review status: criteria provided, single submitter. Criteria: Invitae Variant Classification Sherloc (09022015). Collection method: clinical testing. Allele origin: germline.
Comment: This sequence change replaces proline, which is neutral and non-polar, with leucine, which is neutral and non-polar, at codon 2833 of the DMD protein (p.Pro2833Leu). This variant is not present in population databases (gnomAD no frequency). In summary, the available evidence is currently insufficient to determine the role of this variant in disease. Therefore, it has been classified as a Variant of Uncertain Significance. Advanced modeling of protein sequence and biophysical properties (such as structural, functional, and spatial information, amino acid conservation, physicochemical variation, residue mobility, and thermodynamic stability) performed at Invitae indicates that this missense variant is not expected to disrupt DMD protein function. This variant has not been reported in the literature in individuals affected with DMD-related conditions.

NM_004006.3(DMD):c.8498C>T (p.Pro2833Leu)

Gene: DMD (dystrophin; minus strand). Cytogenetic location: Xp21.2.
Variant type: single nucleotide variant.
Coding change: c.8498C>T on transcript NM_004006.3 (MANE Select); coding-DNA position 8498, C replaced by T.
Protein change: p.Pro2833Leu; replaces proline 2833 with leucine.
Molecular consequence: missense variant.
Genome position (GRCh38, 1-based): chrX:31,496,837, G>A on the plus strand (C>T on the coding strand, the complement: DMD is on the minus strand). VCF-style: chrX-31496837-G-A. GRCh37 (hg19) VCF-style: chrX-31514954-G-A.
Other names: c.8474C>T, p.Pro2825Leu (NM_000109.4); c.8486C>T, p.Pro2829Leu (NM_004009.3); c.8129C>T, p.Pro2710Leu (NM_004010.3); c.4475C>T, p.Pro1492Leu (NM_004011.4); c.4466C>T, p.Pro1489Leu (NM_004012.4); c.1118C>T, p.Pro373Leu (NM_004013.3, NM_004020.4, NM_004021.3 and 2 more transcripts); c.311C>T, p.Pro104Leu (NM_004014.3); short protein forms P2710L, P1492L, P104L, P1489L, P2825L, P2829L, P2833L, P373L.
Identifiers: ClinVar variation 2790100 (VCV002790100.3), dbSNP rs2525732335, ClinGen allele CA412655459.